The following is an entry in ClinVar:

NM_001903.5(CTNNA1):c.1092C>G (p.Leu364=)

Gene: CTNNA1 (catenin alpha 1; plus strand). Cytogenetic location: 5q31.2.
Variant type: single nucleotide variant.
Coding change: c.1092C>G on transcript NM_001903.5 (MANE Select); coding-DNA position 1092, C replaced by G.
Protein change: p.Leu364=; no amino-acid change (leucine 364 retained).
Molecular consequence: synonymous variant. On other transcripts: 5 prime UTR variant (26), intron variant (2).
Genome position (GRCh38, 1-based): chr5:138,886,241, C>G. VCF-style: chr5-138886241-C-G. GRCh37 (hg19) VCF-style: chr5-138221930-C-G.
Other names: c.1092C>G, p.Leu364= (NM_001290307.3, NM_001323982.2, NM_001323983.1 and 3 more transcripts); c.783C>G, p.Leu261= (NM_001290309.3); c.723C>G, p.Leu241= (NM_001290310.3); c.-19C>G (NM_001290312.1, NM_001323987.1, NM_001323988.1 and 18 more transcripts); c.-416C>G (NM_001324006.1, NM_001324007.1, NM_001324008.1 and 1 more transcripts); c.-291C>G (NM_001324013.1); c.-58+10644C>G (NM_001324012.1); c.-61+10644C>G (NM_001324010.1).
Identifiers: ClinVar variation 1155046 (VCV001155046.12), dbSNP rs1753996813, ClinGen allele CA446588948.

ClinVar aggregate classification (germline): Benign/Likely benign. Review status: criteria provided, multiple submitters, no conflicts (2 of 4 stars). 3 submissions from 3 submitters: Benign (1); Likely benign (2). Last evaluated 2024-10-10.

Conditions:
Hereditary diffuse gastric adenocarcinoma (HDGC). Also called: DIFFUSE GASTRIC AND LOBULAR BREAST CANCER SYNDROME. Identifiers: Orphanet 26106, MedGen C1708349, MONDO:0007648, OMIM 137215.
Hereditary cancer-predisposing syndrome. Also called: Hereditary Cancer Syndrome; Hereditary neoplastic syndrome; Neoplastic Syndromes, Hereditary; Tumor predisposition. Identifiers: Orphanet 140162, MedGen C0027672, MeSH D009386, MONDO:0015356.

Allele frequency attached by ClinVar (database versions not stated): TOPMed below 0.00001.

Submissions (3):

Myriad Genetics, Inc.
Classification: Benign for Hereditary diffuse gastric adenocarcinoma. Last evaluated: 2024-10-10. Review status: criteria provided, single submitter. Criteria: Myriad Autosomal Dominant, Autosomal Recessive and X-Linked Classification Criteria (2023). Collection method: clinical testing. Allele origin: unknown.
Comment: This variant is considered benign. This variant is a silent/synonymous amino acid change and it is not expected to impact splicing.

Labcorp Genetics (formerly Invitae), Labcorp
Classification: Likely benign. Last evaluated: 2021-04-11. Review status: criteria provided, single submitter. Criteria: Invitae Variant Classification Sherloc (09022015). Collection method: clinical testing. Allele origin: germline.

Ambry Genetics
Classification: Likely benign for Hereditary cancer-predisposing syndrome. Last evaluated: 2020-05-26. Review status: criteria provided, single submitter. Criteria: Ambry Variant Classification Scheme 2023. Collection method: clinical testing. Allele origin: germline.